The following is an entry in ClinVar:

NM_004525.3(LRP2):c.8780G>C (p.Gly2927Ala)

Gene: LRP2 (LDL receptor related protein 2; minus strand). Cytogenetic location: 2q31.1.
Variant type: single nucleotide variant.
Coding change: c.8780G>C on transcript NM_004525.3 (MANE Select); coding-DNA position 8780, G replaced by C.
Protein change: p.Gly2927Ala; replaces glycine 2927 with alanine.
Molecular consequence: missense variant.
Genome position (GRCh38, 1-based): chr2:169,193,811, C>G on the plus strand (G>C on the coding strand, the complement: LRP2 is on the minus strand). VCF-style: chr2-169193811-C-G. GRCh37 (hg19) VCF-style: chr2-170050321-C-G.
Other names: short protein forms G2927A.
Identifiers: ClinVar variation 1929579 (VCV001929579.2), dbSNP rs536517156, ClinGen allele CA349160526.

ClinVar aggregate classification (germline): Uncertain significance (1 of 4 stars; one submission).

Allele frequency attached by ClinVar (database versions not stated): gnomAD exomes below 0.00001.
gnomAD v4.1: 4 of 1,614,186 alleles (0.00025%); highest among the groups gnomAD compares: Non-Finnish European, 0.00034%; no homozygotes.

Submission:

Labcorp Genetics (formerly Invitae), Labcorp
Classification: Uncertain significance. Last evaluated: 2022-05-05. Review status: criteria provided, single submitter. Criteria: Invitae Variant Classification Sherloc (09022015). Collection method: clinical testing. Allele origin: germline.
Comment: This sequence change replaces glycine, which is neutral and non-polar, with alanine, which is neutral and non-polar, at codon 2927 of the LRP2 protein (p.Gly2927Ala). This variant is not present in population databases (gnomAD no frequency). This variant has not been reported in the literature in individuals affected with LRP2-related conditions. Advanced modeling of protein sequence and biophysical properties (such as structural, functional, and spatial information, amino acid conservation, physicochemical variation, residue mobility, and thermodynamic stability) performed at Invitae indicates that this missense variant is expected to disrupt LRP2 protein function. In summary, the available evidence is currently insufficient to determine the role of this variant in disease. Therefore, it has been classified as a Variant of Uncertain Significance.